The following is an entry in ClinVar:

NM_001329943.3(KIAA0586):c.3673A>G (p.Thr1225Ala)

Gene: KIAA0586 (KIAA0586; plus strand). Cytogenetic location: 14q23.1.
Variant type: single nucleotide variant.
Coding change: c.3673A>G on transcript NM_001329943.3 (MANE Select); coding-DNA position 3673, A replaced by G.
Protein change: p.Thr1225Ala; replaces threonine 1225 with alanine.
Molecular consequence: missense variant.
Genome position (GRCh38, 1-based): chr14:58,488,766, A>G. VCF-style: chr14-58488766-A-G. GRCh37 (hg19) VCF-style: chr14-58955484-A-G.
Other names: c.3832A>G, p.Thr1278Ala (NM_001244189.2); c.3628A>G, p.Thr1210Ala (NM_001244190.2); c.3418A>G, p.Thr1140Ala (NM_001244191.2, NM_001329945.2, NM_001364700.1 and 1 more transcripts); c.3541A>G, p.Thr1181Ala (NM_001244192.2); c.3253A>G, p.Thr1085Ala (NM_001244193.2); c.3673A>G, p.Thr1225Ala (NM_001329944.2, NM_001329946.2, NM_001329947.2); c.3445A>G, p.Thr1149Ala (NM_014749.5); short protein forms T1149A, T1225A, T1278A, T1140A, T1210A, T1085A, T1181A.
Identifiers: ClinVar variation 2099759 (VCV002099759.4), dbSNP rs1473784906, ClinGen allele CA389882738.

ClinVar aggregate classification (germline): Uncertain significance (1 of 4 stars; one submission).

Conditions:
Short-rib thoracic dysplasia 14 with polydactyly (SRTD14). Identifiers: Orphanet 397715, MedGen C4225286, MONDO:0014688, OMIM 616546.
Joubert syndrome 23 (JBTS23). Identifiers: Orphanet 475, MedGen C4084822, MONDO:0014664, OMIM 616490.

Allele frequency attached by ClinVar (database versions not stated): gnomAD exomes below 0.00001; TOPMed below 0.00001; gnomAD 0.00001.
gnomAD v4.1: 3 of 1,613,768 alleles (0.00019%); highest among the groups gnomAD compares: Non-Finnish European, 0.00025%; no homozygotes.

Submission:

Labcorp Genetics (formerly Invitae), Labcorp
Classification: Uncertain significance for Joubert syndrome 23; Short-rib thoracic dysplasia 14 with polydactyly. Last evaluated: 2022-07-30. Review status: criteria provided, single submitter. Criteria: Invitae Variant Classification Sherloc (09022015). Collection method: clinical testing. Allele origin: germline.
Comment: This sequence change replaces threonine, which is neutral and polar, with alanine, which is neutral and non-polar, at codon 1278 of the KIAA0586 protein (p.Thr1278Ala). This variant is present in population databases (no rsID available, gnomAD 0.0009%). This variant has not been reported in the literature in individuals affected with KIAA0586-related conditions. Algorithms developed to predict the effect of missense changes on protein structure and function are either unavailable or do not agree on the potential impact of this missense change (SIFT: "Deleterious"; PolyPhen-2: "Possibly Damaging"; Align-GVGD: "Class C0"). In summary, the available evidence is currently insufficient to determine the role of this variant in disease. Therefore, it has been classified as a Variant of Uncertain Significance.